The following is an entry in ClinVar:

NM_004519.4(KCNQ3):c.456G>A (p.Ser152=)

Gene: KCNQ3 (potassium voltage-gated channel subfamily Q member 3; minus strand). Cytogenetic location: 8q24.22.
Variant type: single nucleotide variant.
Coding change: c.456G>A on transcript NM_004519.4 (MANE Select); coding-DNA position 456, G replaced by A.
Protein change: p.Ser152=; no amino-acid change (serine 152 retained).
Molecular consequence: synonymous variant.
Genome position (GRCh38, 1-based): chr8:132,186,112, C>T on the plus strand (G>A on the coding strand, the complement: KCNQ3 is on the minus strand). VCF-style: chr8-132186112-C-T. GRCh37 (hg19) VCF-style: chr8-133198359-C-T.
Other names: c.96G>A, p.Ser32= (NM_001204824.2).
Identifiers: ClinVar variation 1152853 (VCV001152853.16), dbSNP rs750676667, ClinGen allele CA4880923.

ClinVar aggregate classification (germline): Likely benign. Review status: criteria provided, multiple submitters, no conflicts (2 of 4 stars). 2 submissions from 2 submitters: Likely benign (2). Last evaluated 2026-01-27.

Conditions:
Benign neonatal seizures. Also called: Convulsions benign familial neonatal dominant form; Autosomal dominant form of benign neonatal seizures; Benign familial neonatal seizures; Benign neonatal familial convulsions; Benign familial neonatal epilepsy. Identifiers: Orphanet 1949, MedGen C0220669, MONDO:0016027.

Allele frequency attached by ClinVar (database versions not stated): TOPMed below 0.00001; gnomAD 0.00001 and 0.00003; ExAC 0.00004; gnomAD exomes 0.00004 and 0.00007.
gnomAD v4.1: 65 of 1,613,336 alleles (0.004%); highest among the groups gnomAD compares: South Asian, 0.036%; no homozygotes.

Submissions (2):

Labcorp Genetics (formerly Invitae), Labcorp
Classification: Likely benign for Benign neonatal seizures. Last evaluated: 2026-01-27. Review status: criteria provided, single submitter. Criteria: Invitae Variant Classification Sherloc (09022015). Collection method: clinical testing. Allele origin: germline.

CeGaT Center for Human Genetics Tuebingen
Classification: Likely benign. Last evaluated: 2025-04-01. Review status: criteria provided, single submitter. Criteria: CeGaT Center For Human Genetics Tuebingen Variant Classification Criteria Version 2. Collection method: clinical testing. Allele origin: germline. Affected: yes. Observed: 1 variant allele.
Comment: KCNQ3: BP4, BP7